The following is an entry in ClinVar:

NM_004333.6(BRAF):c.1803A>C (p.Lys601Asn)

Gene: BRAF (B-Raf proto-oncogene, serine/threonine kinase; minus strand). Cytogenetic location: 7q34.
Variant type: single nucleotide variant.
Coding change: c.1803A>C on transcript NM_004333.6 (MANE Select); coding-DNA position 1803, A replaced by C.
Protein change: p.Lys601Asn; replaces lysine 601 with asparagine.
Molecular consequence: missense variant.
Genome position (GRCh38, 1-based): chr7:140,753,332, T>G on the plus strand (A>C on the coding strand, the complement: BRAF is on the minus strand). VCF-style: chr7-140753332-T-G. GRCh37 (hg19) VCF-style: chr7-140453132-T-G.
Other names: c.1803A>C, p.Lys601Asn (NM_001354609.2, NM_001378468.1, NM_001378474.1); c.1923A>C, p.Lys641Asn (NM_001374244.1, NM_001374258.1); c.1812A>C, p.Lys604Asn (NM_001378467.1); c.1737A>C, p.Lys579Asn (NM_001378469.1); c.1701A>C, p.Lys567Asn (NM_001378470.1); c.1692A>C, p.Lys564Asn (NM_001378471.1); c.1647A>C, p.Lys549Asn (NM_001378472.1, NM_001378473.1); c.1539A>C, p.Lys513Asn (NM_001378475.1); short protein forms K601N, K513N, K549N, K564N, K567N, K579N, K604N, K641N.
Identifiers: ClinVar variation 376286 (VCV000376286.11), dbSNP rs121913365, ClinGen allele CA16602734.

ClinVar aggregate classification (germline): Uncertain significance (1 of 4 stars; one submission).
ClinVar aggregate classification (oncogenicity): Likely oncogenic (1 of 4 stars; one submission).

Conditions:
RASopathy. Also called: rasopathies; Noonan spectrum disorder. Identifiers: Orphanet 536391, MedGen C5555857, MONDO:0021060.
Neoplasm. Also called: tumor; Neoplasms; Neoplasm (disease). Identifiers: MedGen C0027651, MeSH D009369, MONDO:0005070, HP:0002664.

Submissions (2):

Center for Genomic Medicine, Rigshospitalet, Copenhagen University Hospital
Classification: Likely oncogenic for Neoplasm. Last evaluated: 2026-10-16. Review status: criteria provided, single submitter. Criteria: ClinGen/CGC/VICC Guidelines for Oncogenicity, 2022. Collection method: clinical testing. Allele origin: somatic. Affected: yes.

Labcorp Genetics (formerly Invitae), Labcorp
Classification: Uncertain significance for RASopathy. Last evaluated: 2020-03-31. Review status: criteria provided, single submitter. Criteria: Invitae Variant Classification Sherloc (09022015). Collection method: clinical testing. Allele origin: germline.
Comment: This sequence change replaces lysine with asparagine at codon 601 of the BRAF protein (p.Lys601Asn). The lysine residue is highly conserved and there is a moderate physicochemical difference between lysine and asparagine. This variant is not present in population databases (ExAC no frequency). This variant has not been reported in the literature in individuals with BRAF-related conditions. ClinVar contains an entry for this variant (Variation ID: 376286). Algorithms developed to predict the effect of missense changes on protein structure and function are either unavailable or do not agree on the potential impact of this missense change (SIFT: "Deleterious"; PolyPhen-2: "Benign"; Align-GVGD: "Class C65"). In summary, the available evidence is currently insufficient to determine the role of this variant in disease. Therefore, it has been classified as a Variant of Uncertain Significance. This variant disrupts the p.Lys601 amino acid residue in BRAF. Other variant(s) that disrupt this residue have been determined to be pathogenic (PMID: 19206169, 22495831,28832562, Invitae). This suggests that this residue is clinically significant, and that variants that disrupt this residue are likely to be disease-causing.

Literature cited by the submitters: PubMed 19206169 (cited by Labcorp Genetics (formerly Invitae), Labcorp); PubMed 22495831 (cited by Labcorp Genetics (formerly Invitae), Labcorp); PubMed 28832562 (cited by Labcorp Genetics (formerly Invitae), Labcorp).